The following is an entry in ClinVar:

ClinVar aggregate classification (germline): Conflicting classifications of pathogenicity. Review status: criteria provided, conflicting classifications (1 of 4 stars). 2 submissions from 2 submitters: Likely pathogenic (1); Uncertain significance (1). Last evaluated 2026-03-23.

Conditions:
Progressive myoclonic epilepsy type 7. Identifiers: Orphanet 435438, MedGen C4015420, MONDO:0014521, OMIM 616187.

Submissions (2):

GeneDx
Classification: Likely pathogenic. Last evaluated: 2026-03-23. Review status: criteria provided, single submitter. Criteria: GeneDx Variant Classification Process June 2021. Collection method: clinical testing. Allele origin: germline.
Comment: Not observed at significant frequency in large population cohorts (gnomAD); In silico analysis supports that this missense variant has a deleterious effect on protein structure/function; This variant is associated with the following publications: (PMID: 30687093)

Labcorp Genetics (formerly Invitae), Labcorp
Classification: Uncertain significance for Progressive myoclonic epilepsy type 7. Last evaluated: 2025-11-06. Review status: criteria provided, single submitter. Criteria: Invitae Variant Classification Sherloc (09022015). Collection method: clinical testing. Allele origin: germline.
Comment: This sequence change replaces valine, which is neutral and non-polar, with methionine, which is neutral and non-polar, at codon 356 of the KCNC1 protein (p.Val356Met). This variant is not present in population databases (gnomAD no frequency). This missense change has been observed in individual(s) with clinical features of KCNC1-related conditions (PMID: 30687093). ClinVar contains an entry for this variant (Variation ID: 3340779). Invitae Evidence Modeling of protein sequence and biophysical properties (such as structural, functional, and spatial information, amino acid conservation, physicochemical variation, residue mobility, and thermodynamic stability) indicates that this missense variant is not expected to disrupt KCNC1 protein function with a negative predictive value of 80%. In summary, the available evidence is currently insufficient to determine the role of this variant in disease. Therefore, it has been classified as a Variant of Uncertain Significance.

Literature cited by the submitters: PubMed 30687093 (cited by Labcorp Genetics (formerly Invitae), Labcorp).

NM_001112741.2(KCNC1):c.1066G>A (p.Val356Met)

Gene: KCNC1 (potassium voltage-gated channel subfamily C member 1; plus strand). Cytogenetic location: 11p15.1.
Variant type: single nucleotide variant.
Coding change: c.1066G>A on transcript NM_001112741.2 (MANE Select); coding-DNA position 1066, G replaced by A.
Protein change: p.Val356Met; replaces valine 356 with methionine.
Molecular consequence: missense variant.
Genome position (GRCh38, 1-based): chr11:17,772,160, G>A. VCF-style: chr11-17772160-G-A. GRCh37 (hg19) VCF-style: chr11-17793707-G-A.
Other names: c.1066G>A, p.Val356Met (NM_004976.4); short protein forms V356M.
Identifiers: ClinVar variation 3340779 (VCV003340779.3).